The following is an entry in ClinVar:

ClinVar aggregate classification (germline): Conflicting classifications of pathogenicity. Review status: criteria provided, conflicting classifications (1 of 4 stars). 3 submissions from 3 submitters: Uncertain significance (2); Likely benign (1). Last evaluated 2024-11-03.

Conditions:
Hereditary cancer-predisposing syndrome. Also called: Hereditary neoplastic syndrome; Neoplastic Syndromes, Hereditary; Tumor predisposition; Hereditary Cancer Syndrome. Identifiers: Orphanet 140162, MedGen C0027672, MeSH D009386, MONDO:0015356.
Hereditary breast ovarian cancer syndrome. Also called: Hereditary breast and/or ovarian cancer syndrome; Hereditary breast and ovarian cancer syndrome; Hereditary breast and ovarian cancer; Hereditary breast and ovarian cancer syndrome (HBOC); Breast and ovarian cancer; BRCA1- and BRCA2-Associated Hereditary Breast and Ovarian Cancer. Identifiers: Orphanet 145, MedGen C0677776, MeSH D061325, MONDO:0003582. Disease mechanism: loss of function.

Submissions (3):

Labcorp Genetics (formerly Invitae), Labcorp
Classification: Uncertain significance for Hereditary breast ovarian cancer syndrome. Last evaluated: 2024-11-03. Review status: criteria provided, single submitter. Criteria: Invitae Variant Classification Sherloc (09022015). Collection method: clinical testing. Allele origin: germline.
Comment: This sequence change replaces serine, which is neutral and polar, with alanine, which is neutral and non-polar, at codon 1056 of the BRCA1 protein (p.Ser1056Ala). This variant is not present in population databases (gnomAD no frequency). This variant has not been reported in the literature in individuals affected with BRCA1-related conditions. ClinVar contains an entry for this variant (Variation ID: 940260). Invitae Evidence Modeling of protein sequence and biophysical properties (such as structural, functional, and spatial information, amino acid conservation, physicochemical variation, residue mobility, and thermodynamic stability) indicates that this missense variant is not expected to disrupt BRCA1 protein function with a negative predictive value of 95%. In summary, the available evidence is currently insufficient to determine the role of this variant in disease. Therefore, it has been classified as a Variant of Uncertain Significance.

University of Washington Department of Laboratory Medicine, University of Washington
Classification: Likely benign for Hereditary cancer-predisposing syndrome. Last evaluated: 2023-03-23. Review status: criteria provided, single submitter. Criteria: Dines et al. (Genet Med. 2020). Collection method: curation. Allele origin: germline.
Comment: Missense variant in a coldspot region where missense variants are very unlikely to be pathogenic (PMID:31911673).

BRCA1 coldspot (exon 11 using historical exon numbering). Reclassification based on statistical prior probability

Ambry Genetics
Classification: Uncertain significance for Hereditary cancer-predisposing syndrome. Last evaluated: 2021-04-23. Review status: criteria provided, single submitter. Criteria: Ambry Variant Classification Scheme 2023. Collection method: clinical testing. Allele origin: germline.
Comment: The p.S1056A variant (also known as c.3166T>G), located in coding exon 9 of the BRCA1 gene, results from a T to G substitution at nucleotide position 3166. The serine at codon 1056 is replaced by alanine, an amino acid with similar properties. This amino acid position is highly conserved in available vertebrate species. In addition, the in silico prediction for this alteration is inconclusive. Since supporting evidence is limited at this time, the clinical significance of this alteration remains unclear.

NM_007294.4(BRCA1):c.3166T>G (p.Ser1056Ala)

Gene: BRCA1 (BRCA1 DNA repair associated; minus strand). Cytogenetic location: 17q21.31.
Variant type: single nucleotide variant.
Coding change: c.3166T>G on transcript NM_007294.4 (MANE Select); coding-DNA position 3166, T replaced by G.
Protein change: p.Ser1056Ala; replaces serine 1056 with alanine.
Molecular consequence: missense variant. On other transcripts: intron variant (137).
Genome position (GRCh38, 1-based): chr17:43,092,365, A>C on the plus strand (T>G on the coding strand, the complement: BRCA1 is on the minus strand). VCF-style: chr17-43092365-A-C. GRCh37 (hg19) VCF-style: chr17-41244382-A-C.
Other names: c.3025T>G, p.Ser1009Ala (NM_001407852.1, NM_001407942.1, NM_001407944.1 and 29 more transcripts); c.2953T>G, p.Ser985Ala (NM_001407853.1, NM_001407894.1, NM_001407895.1 and 9 more transcripts); c.3166T>G, p.Ser1056Ala (NM_001407854.1, NM_001407858.1, NM_001407859.1 and 30 more transcripts); c.3163T>G, p.Ser1055Ala (NM_001407860.1, NM_001407861.1, NM_001407587.1 and 22 more transcripts); c.2965T>G, p.Ser989Ala (NM_001407862.1); c.3043T>G, p.Ser1015Ala (NM_001407863.1, NM_001407919.1, NM_001407937.1 and 19 more transcripts); c.2962T>G, p.Ser988Ala (NM_001407874.1, NM_001407875.1); c.2956T>G, p.Ser986Ala (NM_001407879.1, NM_001407881.1, NM_001407882.1 and 13 more transcripts); and 41 more; short protein forms S1056A, S1009A, S1008A, S1029A, S945A, S985A, S1053A, S760A.
Identifiers: ClinVar variation 940260 (VCV000940260.15), dbSNP rs876659601, ClinGen allele CA10595652.